The following is an entry in ClinVar:

NM_006231.4(POLE):c.6755T>C (p.Met2252Thr)

Gene: POLE (DNA polymerase epsilon, catalytic subunit; minus strand). Cytogenetic location: 12q24.33.
Variant type: single nucleotide variant.
Coding change: c.6755T>C on transcript NM_006231.4 (MANE Select); coding-DNA position 6755, T replaced by C.
Protein change: p.Met2252Thr; replaces methionine 2252 with threonine.
Molecular consequence: missense variant.
Genome position (GRCh38, 1-based): chr12:132,624,803, A>G on the plus strand (T>C on the coding strand, the complement: POLE is on the minus strand). VCF-style: chr12-132624803-A-G. GRCh37 (hg19) VCF-style: chr12-133201389-A-G.
Other names: short protein forms M2252T.
Identifiers: ClinVar variation 998708 (VCV000998708.12), dbSNP rs369576300, ClinGen allele CA246285174.

ClinVar aggregate classification (germline): Conflicting classifications of pathogenicity. Review status: criteria provided, conflicting classifications (1 of 4 stars). 2 submissions from 2 submitters: Uncertain significance (1); Likely benign (1). Last evaluated 2024-12-18.

Conditions:
Hereditary cancer-predisposing syndrome. Also called: Neoplastic Syndromes, Hereditary; Tumor predisposition; Hereditary Cancer Syndrome; Hereditary neoplastic syndrome. Identifiers: Orphanet 140162, MedGen C0027672, MeSH D009386, MONDO:0015356.

Allele frequency attached by ClinVar (database versions not stated): gnomAD 0.00001; TOPMed 0.00001; ESP Exome Variant Server 0.00008.
gnomAD v4.1: 1 of 1,610,450 alleles (0.000062%); highest among the groups gnomAD compares: African/African-American, 0.0013%; no homozygotes.

Submissions (2):

Ambry Genetics
Classification: Likely benign for Hereditary cancer-predisposing syndrome. Last evaluated: 2024-12-18. Review status: criteria provided, single submitter. Criteria: Ambry Variant Classification Scheme 2023. Collection method: clinical testing. Allele origin: germline.

Labcorp Genetics (formerly Invitae), Labcorp
Classification: Uncertain significance. Last evaluated: 2023-11-29. Review status: criteria provided, single submitter. Criteria: Invitae Variant Classification Sherloc (09022015). Collection method: clinical testing. Allele origin: germline.
Comment: This sequence change replaces methionine, which is neutral and non-polar, with threonine, which is neutral and polar, at codon 2252 of the POLE protein (p.Met2252Thr). This variant is not present in population databases (gnomAD no frequency). This variant has not been reported in the literature in individuals affected with POLE-related conditions. ClinVar contains an entry for this variant (Variation ID: 998708). Advanced modeling of protein sequence and biophysical properties (such as structural, functional, and spatial information, amino acid conservation, physicochemical variation, residue mobility, and thermodynamic stability) performed at Invitae indicates that this missense variant is not expected to disrupt POLE protein function with a negative predictive value of 80%. In summary, the available evidence is currently insufficient to determine the role of this variant in disease. Therefore, it has been classified as a Variant of Uncertain Significance.